The following is an entry in ClinVar:

ClinVar aggregate classification (germline): Pathogenic (1 of 4 stars; one submission).

Conditions:
ALG1-congenital disorder of glycosylation. Also called: CONGENITAL DISORDER OF GLYCOSYLATION, TYPE Ik; CDG Ik; ALG1-CDG. Identifiers: Orphanet 79327, MedGen C2931005, MONDO:0012052, OMIM 608540.

Allele frequency attached by ClinVar (database versions not stated): ExAC 0.00002.

Submission:

Labcorp Genetics (formerly Invitae), Labcorp
Classification: Pathogenic for ALG1-congenital disorder of glycosylation. Last evaluated: 2023-11-27. Review status: criteria provided, single submitter. Criteria: Invitae Variant Classification Sherloc (09022015). Collection method: clinical testing. Allele origin: germline.
Comment: This sequence change creates a premature translational stop signal (p.Gly21*) in the ALG1 gene. It is expected to result in an absent or disrupted protein product. Loss-of-function variants in ALG1 are known to be pathogenic (PMID: 20679665, 23806237). The frequency data for this variant in the population databases is considered unreliable, as metrics indicate poor data quality at this position in the gnomAD database. This variant has not been reported in the literature in individuals affected with ALG1-related conditions. For these reasons, this variant has been classified as Pathogenic.

Literature cited by the submitters: PubMed 20679665; PubMed 23806237.

NM_019109.5(ALG1):c.61G>T (p.Gly21Ter)

Genes: ALG1 (ALG1 chitobiosyldiphosphodolichol beta-mannosyltransferase; plus strand), LOC130058383 (ATAC-STARR-seq lymphoblastoid active region 10348; plus strand). Cytogenetic location: 16p13.3.
Variant type: single nucleotide variant.
Coding change: c.61G>T on transcript NM_019109.5 (MANE Select); coding-DNA position 61, G replaced by T.
Protein change: p.Gly21Ter; replaces glycine 21 with a stop codon.
Molecular consequence: nonsense.
Genome position (GRCh38, 1-based): chr16:5,071,910, G>T. VCF-style: chr16-5071910-G-T. GRCh37 (hg19) VCF-style: chr16-5121911-G-T.
Other names: short protein forms G21*.
Identifiers: ClinVar variation 2810390 (VCV002810390.3), dbSNP rs771153009, ClinGen allele CA7889660.